The following is an entry in ClinVar:

ClinVar aggregate classification (germline): Uncertain significance (1 of 4 stars; one submission).

Conditions:
Primary ciliary dyskinesia. Also called: Ciliary dyskinesia. Identifiers: Orphanet 244, MedGen C0008780, MONDO:0016575, HP:0012265.

gnomAD v4.1: 1 of 1,613,852 alleles (0.000062%); highest among the groups gnomAD compares: Admixed American, 0.0017%; no homozygotes.

Submission:

Labcorp Genetics (formerly Invitae), Labcorp
Classification: Uncertain significance for Primary ciliary dyskinesia. Last evaluated: 2024-06-20. Review status: criteria provided, single submitter. Criteria: Invitae Variant Classification Sherloc (09022015). Collection method: clinical testing. Allele origin: germline.
Comment: This sequence change replaces valine, which is neutral and non-polar, with alanine, which is neutral and non-polar, at codon 1016 of the CCDC40 protein (p.Val1016Ala). This variant is present in population databases (no rsID available, gnomAD 0.003%). This variant has not been reported in the literature in individuals affected with CCDC40-related conditions. Advanced modeling of protein sequence and biophysical properties (such as structural, functional, and spatial information, amino acid conservation, physicochemical variation, residue mobility, and thermodynamic stability) performed at Invitae indicates that this missense variant is not expected to disrupt CCDC40 protein function with a negative predictive value of 80%. In summary, the available evidence is currently insufficient to determine the role of this variant in disease. Therefore, it has been classified as a Variant of Uncertain Significance.

NM_017950.4(CCDC40):c.3047T>C (p.Val1016Ala)

Gene: CCDC40 (coiled-coil domain 40 molecular ruler complex subunit; plus strand). Cytogenetic location: 17q25.3.
Variant type: single nucleotide variant.
Coding change: c.3047T>C on transcript NM_017950.4 (MANE Select); coding-DNA position 3047, T replaced by C.
Protein change: p.Val1016Ala; replaces valine 1016 with alanine.
Molecular consequence: missense variant.
Genome position (GRCh38, 1-based): chr17:80,097,270, T>C. VCF-style: chr17-80097270-T-C. GRCh37 (hg19) VCF-style: chr17-78071069-T-C.
Other names: short protein forms V1016A.
Identifiers: ClinVar variation 3716102 (VCV003716102.2).